The following is an entry in ClinVar:

ClinVar aggregate classification (germline): Uncertain significance (1 of 4 stars; one submission).

Conditions:
Cardiomyopathy (CMYO). Also called: Cardiomyopathies. Identifiers: Orphanet 167848, MedGen C0878544, MONDO:0004994, HP:0001638. Inheritance: Various modes of inheritance.

Submission:

Color Diagnostics, LLC DBA Color Health
Classification: Uncertain significance for Cardiomyopathy. Last evaluated: 2024-03-14. Review status: criteria provided, single submitter. Criteria: ACMG Guidelines, 2015. Collection method: clinical testing. Allele origin: germline.
Comment: This variant deletes 1 nucleotide in exon 27 of the MYH7 gene, creating a frameshift and premature translation stop signal. This variant is expected to result in an absent or non-functional protein product. To our knowledge, functional studies have not been performed for this variant. To our knowledge, this variant has not been reported in individuals affected with MYH7-related disorders in the literature. This variant has not been identified in the general population by the Genome Aggregation Database (gnomAD). Clinical significance of loss-of-function MYH7 truncation variants in autosomal dominant cardiovascular disorders is not clearly established. The available evidence is insufficient to determine the role of this variant in disease conclusively. Therefore, this variant is classified as a Variant of Uncertain Significance.

NM_000257.4(MYH7):c.3593del (p.Asp1198fs)

Gene: MYH7 (myosin heavy chain 7; minus strand). Cytogenetic location: 14q11.2.
Variant type: Deletion.
Coding change: c.3593del on transcript NM_000257.4 (MANE Select); coding-DNA position 3593, one base deleted (A; older notation c.3593delA).
Protein change: p.Asp1198fs; shifts the reading frame from aspartic acid 1198.
Molecular consequence: frameshift variant.
Genome position (GRCh38, 1-based): chr14:23,419,978, T deleted on the plus strand (A on the coding strand, the reverse complement: MYH7 is on the minus strand). VCF-style (leftmost placement, unchanged base first): chr14-23419977-GT-G. GRCh37 (hg19) VCF-style: chr14-23889186-GT-G.
Other names: c.3593del, p.Asp1198fs (NM_001407004.1); short protein forms D1198fs.
Identifiers: ClinVar variation 2773908 (VCV002773908.2), dbSNP rs2502264157, ClinGen allele CA2697553858.